The following is an entry in ClinVar:

NM_022114.4(PRDM16):c.1358C>T (p.Pro453Leu)

Gene: PRDM16 (PR/SET domain 16; plus strand). Cytogenetic location: 1p36.32.
Variant type: single nucleotide variant.
Coding change: c.1358C>T on transcript NM_022114.4 (MANE Select); coding-DNA position 1358, C replaced by T.
Protein change: p.Pro453Leu; replaces proline 453 with leucine.
Molecular consequence: missense variant.
Genome position (GRCh38, 1-based): chr1:3,411,555, C>T. VCF-style: chr1-3411555-C-T. GRCh37 (hg19) VCF-style: chr1-3328119-C-T.
Other names: c.1358C>T, p.Pro453Leu (NM_199454.3); short protein forms P453L.
Identifiers: ClinVar variation 1036166 (VCV001036166.8), dbSNP rs1202650948, ClinGen allele CA337997089.

ClinVar aggregate classification (germline): Uncertain significance (1 of 4 stars; one submission).

Conditions:
Left ventricular noncompaction 8 (LVNC8). Identifiers: Orphanet 154, Orphanet 54260, MedGen C3809288, MONDO:0014152, OMIM 615373.

Allele frequency attached by ClinVar (database versions not stated): gnomAD exomes 0.00001; TOPMed 0.00001; gnomAD 0.00004 and 0.00005.
gnomAD v4.1: 19 of 1,613,996 alleles (0.0012%); highest among the groups gnomAD compares: Admixed American, 0.01%; no homozygotes.

Submission:

Labcorp Genetics (formerly Invitae), Labcorp
Classification: Uncertain significance for Left ventricular noncompaction 8. Last evaluated: 2025-05-18. Review status: criteria provided, single submitter. Criteria: Invitae Variant Classification Sherloc (09022015). Collection method: clinical testing. Allele origin: germline.
Comment: This sequence change replaces proline, which is neutral and non-polar, with leucine, which is neutral and non-polar, at codon 453 of the PRDM16 protein (p.Pro453Leu). This variant is present in population databases (no rsID available, gnomAD 0.006%). This variant has not been reported in the literature in individuals affected with PRDM16-related conditions. ClinVar contains an entry for this variant (Variation ID: 1036166). An algorithm developed to predict the effect of missense changes on protein structure and function (PolyPhen-2) suggests that this variant is likely to be tolerated. In summary, the available evidence is currently insufficient to determine the role of this variant in disease. Therefore, it has been classified as a Variant of Uncertain Significance.